The following is an entry in ClinVar:

NM_000214.3(JAG1):c.798C>A (p.Ile266=)

Gene: JAG1 (jagged canonical Notch ligand 1; minus strand). Cytogenetic location: 20p12.2.
Variant type: single nucleotide variant.
Coding change: c.798C>A on transcript NM_000214.3 (MANE Select); coding-DNA position 798, C replaced by A.
Protein change: p.Ile266=; no amino-acid change (isoleucine 266 retained).
Molecular consequence: synonymous variant.
Genome position (GRCh38, 1-based): chr20:10,652,556, G>T on the plus strand (C>A on the coding strand, the complement: JAG1 is on the minus strand). VCF-style: chr20-10652556-G-T. GRCh37 (hg19) VCF-style: chr20-10633204-G-T.
Identifiers: ClinVar variation 3573376 (VCV003573376.2).
Genomic context (GRCh38, chr20:10,652,556, plus strand): 5'-GGTCTCACAGAGGCACTGCCAGGGCTCATTACAGATGCCGTGGACGCATCCCGGGTGTGG[G>T]ATGCACTTATCACAGTACAGGCCTTGCCAGCCGTACTGGCACCTGGAGACACACAGCACA-3'
Protein context (NP_000205.1, residues 256-276): GWQGLYCDKC[Ile266=]PHPGCVHGIC

Conditions:
Arteriohepatic dysplasia. Also called: Alagille Syndrome. Identifiers: Orphanet 52, MedGen C0085280, MeSH D016738, MONDO:0007318.

Submission:

Gilbert/Spinner Lab, Children's Hospital of Philadelphia
No classification provided (evidence only). Condition: Alagille syndrome. Review status: no classification provided. Collection method: research. Allele origin: not applicable. Functional consequence: functionally_abnormal.
ClinVar note: "not provided" was previously submitted as the classification for the variant. However, the classification appeared to be based only on an observation of functional data so it was converted to no classification on 2025-07-30.